The following is an entry in ClinVar:

NM_002546.4(TNFRSF11B):c.692A>G (p.Lys231Arg)

Gene: TNFRSF11B (TNF receptor superfamily member 11b; minus strand). Cytogenetic location: 8q24.12.
Variant type: single nucleotide variant.
Coding change: c.692A>G on transcript NM_002546.4 (MANE Select); coding-DNA position 692, A replaced by G.
Protein change: p.Lys231Arg; replaces lysine 231 with arginine.
Molecular consequence: missense variant.
Genome position (GRCh38, 1-based): chr8:118,926,619, T>C on the plus strand (A>G on the coding strand, the complement: TNFRSF11B is on the minus strand). VCF-style: chr8-118926619-T-C. GRCh37 (hg19) VCF-style: chr8-119938858-T-C.
Other names: short protein forms K231R.
Identifiers: ClinVar variation 4767943 (VCV004767943.1).

ClinVar aggregate classification (germline): Uncertain significance (1 of 4 stars; one submission).

gnomAD v4.1: 1 of 1,614,128 alleles (0.000062%); highest among the groups gnomAD compares: Non-Finnish European, 0.000085%; no homozygotes.

Submission:

Labcorp Genetics (formerly Invitae), Labcorp
Classification: Uncertain significance. Last evaluated: 2025-02-18. Review status: criteria provided, single submitter. Criteria: Invitae Variant Classification Sherloc (09022015). Collection method: clinical testing. Allele origin: germline.
Comment: This sequence change replaces lysine, which is basic and polar, with arginine, which is basic and polar, at codon 231 of the TNFRSF11B protein (p.Lys231Arg). This variant is present in population databases (rs781066936, gnomAD 0.003%). This variant has not been reported in the literature in individuals affected with TNFRSF11B-related conditions. Invitae Evidence Modeling of protein sequence and biophysical properties (such as structural, functional, and spatial information, amino acid conservation, physicochemical variation, residue mobility, and thermodynamic stability) indicates that this missense variant is not expected to disrupt TNFRSF11B protein function with a negative predictive value of 80%. In summary, the available evidence is currently insufficient to determine the role of this variant in disease. Therefore, it has been classified as a Variant of Uncertain Significance.